The following is an entry in ClinVar:

NM_004329.3(BMPR1A):c.67+902A>G

Gene: BMPR1A (bone morphogenetic protein receptor type 1A; plus strand). Cytogenetic location: 10q23.2.
Variant type: single nucleotide variant.
Coding change: c.67+902A>G on transcript NM_004329.3 (MANE Select); 902 bases into the intron after coding-DNA position 67, A replaced by G.
Molecular consequence: intron variant.
Genome position (GRCh38, 1-based): chr10:86,876,987, A>G. VCF-style: chr10-86876987-A-G. GRCh37 (hg19) VCF-style: chr10-88636744-A-G.
Other names: c.67+902A>G (NM_001406562.1, NM_001406568.1, NM_001406567.1 and 23 more transcripts); c.-17-13075A>G (NM_001406584.1, NM_001406587.1, NM_001406585.1); c.-13+902A>G (NM_001406588.1); c.-12-13080A>G (NM_001406586.1).
Identifiers: ClinVar variation 3992035 (VCV003992035.1).

ClinVar aggregate classification (germline): Uncertain significance (1 of 4 stars; one submission).

Conditions:
Hereditary cancer-predisposing syndrome. Also called: Tumor predisposition; Hereditary neoplastic syndrome; Neoplastic Syndromes, Hereditary; Hereditary Cancer Syndrome. Identifiers: Orphanet 140162, MedGen C0027672, MeSH D009386, MONDO:0015356.

gnomAD v4.1: 2 of 152,196 alleles (0.0013%); highest among the groups gnomAD compares: Admixed American, 0.0065%; no homozygotes.

Submission:

Ambry Genetics
Classification: Uncertain significance for Hereditary cancer-predisposing syndrome. Last evaluated: 2025-05-30. Review status: criteria provided, single submitter. Criteria: Ambry Variant Classification Scheme 2023. Collection method: clinical testing. Allele origin: germline.
Comment: The c.67+902A>G intronic variant results from an A to G substitution 902 nucleotides after coding exon 1 in the BMPR1A gene. This nucleotide position is not well conserved in available vertebrate species. In silico splice site analysis for this alteration is inconclusive and direct evidence is insufficient at this time (Ambry internal data). Based on the available evidence, the clinical significance of this variant remains unclear.